The following is an entry in ClinVar:

ClinVar aggregate classification (germline): Likely benign (1 of 4 stars; one submission).

gnomAD v4.1: 98 of 1,613,950 alleles (0.0061%); highest among the groups gnomAD compares: South Asian, 0.0077%; no homozygotes.

Submission:

CeGaT Center for Human Genetics Tuebingen
Classification: Likely benign. Last evaluated: 2026-05-01. Review status: criteria provided, single submitter. Criteria: CeGaT Center For Human Genetics Tuebingen Variant Classification Criteria Version 2. Collection method: clinical testing. Allele origin: germline. Affected: yes. Observed: 1 variant allele.
Comment: ITPR3: BP4, BP7

NM_002224.4(ITPR3):c.570C>T (p.Ala190=)

Gene: ITPR3 (inositol 1,4,5-trisphosphate receptor type 3; plus strand). Cytogenetic location: 6p21.31.
Variant type: single nucleotide variant.
Coding change: c.570C>T on transcript NM_002224.4 (MANE Select); coding-DNA position 570, C replaced by T.
Protein change: p.Ala190=; no amino-acid change (alanine 190 retained).
Molecular consequence: synonymous variant.
Genome position (GRCh38, 1-based): chr6:33,659,062, C>T. VCF-style: chr6-33659062-C-T. GRCh37 (hg19) VCF-style: chr6-33626839-C-T.
Identifiers: ClinVar variation 4872966 (VCV004872966.2).
Genomic context (GRCh38, chr6:33,659,062, plus strand): 5'-GTCCCACCTGTCTGCTCAGGTGGTCGTGGGGGACAAGGTGATCCTGAATCCTGTCAATGC[C>T]GGGCAGCCTCTGCATGCCAGCAATTACGAGCTCAGCGACAACGCCGGCTGCAAGGAGGTG-3'
Protein context (NP_002215.2, residues 180-200): GDKVILNPVN[Ala190=]GQPLHASNYE